The following is an entry in ClinVar:

NM_001103.4(ACTN2):c.1381A>G (p.Ile461Val)

Gene: ACTN2 (actinin alpha 2; plus strand). Cytogenetic location: 1q43.
Variant type: single nucleotide variant.
Coding change: c.1381A>G on transcript NM_001103.4 (MANE Select); coding-DNA position 1381, A replaced by G.
Protein change: p.Ile461Val; replaces isoleucine 461 with valine.
Molecular consequence: missense variant.
Genome position (GRCh38, 1-based): chr1:236,744,751, A>G. VCF-style: chr1-236744751-A-G. GRCh37 (hg19) VCF-style: chr1-236908051-A-G.
Other names: c.1381A>G, p.Ile461Val (NM_001278343.2); c.757A>G, p.Ile253Val (NM_001278344.2); short protein forms I461V, I253V.
Identifiers: ClinVar variation 228434 (VCV000228434.4), dbSNP rs876657742, ClinGen allele CA10576394.
Genomic context (GRCh38, chr1:236,744,751, plus strand): 5'-CTGCGGAAGCACGAGGCGTTCGAGAGCGACCTGGCAGCGCACCAGGACCGCGTGGAGCAG[A>G]TCGCAGCCATCGCGCAGGAGCTCAAGTATGTGCAGATGCCCTCCGTCCTCCCGGGAGCCC-3'
Protein context (NP_001094.1, residues 451-471): LAAHQDRVEQ[Ile461Val]AAIAQELNEL

ClinVar aggregate classification (germline): Uncertain significance (1 of 4 stars; one submission).

Submission:

Laboratory for Molecular Medicine, Mass General Brigham Personalized Medicine
Classification: Uncertain significance. Last evaluated: 2015-04-03. Review status: criteria provided, single submitter. Criteria: LMM Criteria. Collection method: clinical testing. Allele origin: germline. Observed: 1 variant allele.
Comment: The p.Ile461Val variant in ACTN2 has not been previously reported in individuals with cardiomyopathy and was absent from large population studies. Computational prediction tools and conservation analysis suggest that the p.Ile461Val variant may impact the protein, though this information is not predictive enough to det ermine pathogenicity. In summary, the clinical significance of the p.Ile461Val v ariant is uncertain.